The following is an entry in ClinVar:

ClinVar aggregate classification (germline): Likely benign. Review status: criteria provided, multiple submitters, no conflicts (2 of 4 stars). 3 submissions from 3 submitters: Likely benign (2). 1 of the submissions does not count toward it. Last evaluated 2025-08-06.

Conditions:
SIX5-related disorder. Also called: SIX5-related condition.

Allele frequency attached by ClinVar (database versions not stated): ExAC 0.00006; gnomAD exomes 0.00006; TOPMed 0.00006; gnomAD 0.00007.

Submissions (3):

Labcorp Genetics (formerly Invitae), Labcorp
Classification: Likely benign. Last evaluated: 2025-08-06. Review status: criteria provided, single submitter. Criteria: Invitae Variant Classification Sherloc (09022015). Collection method: clinical testing. Allele origin: germline.

Blueprint Genetics
Classification: Likely benign. Last evaluated: 2024-11-21. Review status: criteria provided, single submitter. Criteria: ACMG Guidelines, 2015. Collection method: clinical testing. Allele origin: germline.

PreventionGenetics, part of Exact Sciences
Classification: Likely benign for SIX5-related condition. Last evaluated: 2022-02-23. Review status: no assertion criteria provided. Collection method: clinical testing. Allele origin: germline. Not counted in ClinVar's aggregate classification.
Comment: This variant is classified as likely benign based on ACMG/AMP sequence variant interpretation guidelines (Richards et al. 2015 PMID: 25741868, with internal and published modifications).

NM_175875.5(SIX5):c.2145C>T (p.Asp715=)

Gene: SIX5 (SIX homeobox 5; minus strand). Cytogenetic location: 19q13.32.
Variant type: single nucleotide variant.
Coding change: c.2145C>T on transcript NM_175875.5 (MANE Select); coding-DNA position 2145, C replaced by T.
Protein change: p.Asp715=; no amino-acid change (aspartic acid 715 retained).
Molecular consequence: synonymous variant.
Genome position (GRCh38, 1-based): chr19:45,765,576, G>A on the plus strand (C>T on the coding strand, the complement: SIX5 is on the minus strand). VCF-style: chr19-45765576-G-A. GRCh37 (hg19) VCF-style: chr19-46268834-G-A.
Other names: c.2145C>T (NM_175875.4).
Identifiers: ClinVar variation 2150445 (VCV002150445.7), dbSNP rs747106145, ClinGen allele CA9520402.